The following is an entry in ClinVar:

NM_001323289.2(CDKL5):c.103A>G (p.Thr35Ala)

Gene: CDKL5 (cyclin dependent kinase like 5; plus strand). Cytogenetic location: Xp22.13.
Variant type: single nucleotide variant.
Coding change: c.103A>G on transcript NM_001323289.2 (MANE Select); coding-DNA position 103, A replaced by G.
Protein change: p.Thr35Ala; replaces threonine 35 with alanine.
Molecular consequence: missense variant.
Genome position (GRCh38, 1-based): chrX:18,564,480, A>G. VCF-style: chrX-18564480-A-G. GRCh37 (hg19) VCF-style: chrX-18582600-A-G.
Other names: c.103A>G, p.Thr35Ala (NM_001037343.2, NM_003159.3); short protein forms T35A.
Identifiers: ClinVar variation 2585296 (VCV002585296.1), dbSNP rs1924898828, ClinGen allele CA412346662.

ClinVar aggregate classification (germline): Uncertain significance (1 of 4 stars; one submission).

Conditions:
Developmental and epileptic encephalopathy, 2 (DEE2). Also called: INFANTILE SPASM SYNDROME, X-LINKED 2; CDKL5 deficiency disorder. Identifiers: Orphanet 1934, Orphanet 3451, Orphanet 505652, MedGen C4750718, MONDO:0010396, OMIM 300672.

Submission:

Neuberg Centre For Genomic Medicine, NCGM
Classification: Uncertain significance for Developmental and epileptic encephalopathy, 2. Review status: criteria provided, single submitter. Criteria: ACMG Guidelines, 2015. Collection method: clinical testing. Allele origin: germline. Inheritance: X-linked inheritance. Affected: yes.
Comment: The missense variant c.103A>G (p.Thr35Ala) in CDKL5 gene has not been reported previously as a pathogenic variant nor as a benign variant, to our knowledge The p.Thr35Ala variant is novel (not in any individuals) in gnomAD Exomes and 1000 Genomes. The amino acid Thr at position 35 is changed to a Ala changing protein sequence and it might alter its composition and physico-chemical properties. The variant is predicted to be damaging by both SIFT and PolyPhen2. The residue is conserved across species. The amino acid change p.Thr35Ala in CDKL5 is predicted as conserved by GERP++ and PhyloP across 100 vertebrates. For these reasons, this variant has been classified as Variant of Uncertain Significance (VUS). The above variant has been detected in a heterozygous state (alt allele -29%) as opposed to the expected hemizygous state. This could indicate the possibility of the variant being present in a mosaic state.